The following is an entry in ClinVar:

ClinVar aggregate classification (germline): Uncertain significance (1 of 4 stars; one submission).

Conditions:
Myofibrillar myopathy 4. Also called: Zaspopathy (type). Identifiers: Orphanet 98912, MedGen C4721886, MONDO:0012277, OMIM 609452.

Submission:

Labcorp Genetics (formerly Invitae), Labcorp
Classification: Uncertain significance for Myofibrillar myopathy 4. Last evaluated: 2024-10-21. Review status: criteria provided, single submitter. Criteria: Invitae Variant Classification Sherloc (09022015). Collection method: clinical testing. Allele origin: germline.
Comment: This sequence change falls in intron 5 of the LDB3 gene. It does not directly change the encoded amino acid sequence of the LDB3 protein. This variant is not present in population databases (gnomAD no frequency). This variant has not been reported in the literature in individuals affected with LDB3-related conditions. Algorithms developed to predict the effect of sequence changes on RNA splicing suggest that this variant may create or strengthen a splice site. In summary, the available evidence is currently insufficient to determine the role of this variant in disease. Therefore, it has been classified as a Variant of Uncertain Significance.

NM_007078.3(LDB3):c.690-17CT[2]

Gene: LDB3 (LIM domain binding 3; plus strand). Cytogenetic location: 10q23.2.
Variant type: Microsatellite.
Coding change: c.690-17CT[2] on transcript NM_007078.3 (MANE Select); two copies in a row of the 2-base unit CT starting at c.690-17; the reference has four copies in a row; two copies, 4 bases deleted.
Molecular consequence: intron variant.
Genome position (GRCh38, 1-based): chr10:86,691,883-86,691,886, CTCT deleted; deleting any 4 consecutive bases within chr10:86,691,879-86,691,886 gives the same sequence; the position shown is the placement nearest the transcript's 3' end. VCF-style (leftmost placement, unchanged base first): chr10-86691878-CCTCT-C. GRCh37 (hg19) VCF-style: chr10-88451635-CCTCT-C.
Other names: c.690-17CT[2] (NM_001368064.1, NM_001368063.1, NM_001368065.1 and 1 more transcripts); c.549-17CT[2] (NM_001368068.1, NM_001368066.1, NM_001080114.2 and 2 more transcripts); c.894-17CT[2] (NM_001171610.2, NM_001171611.2).
Identifiers: ClinVar variation 3679705 (VCV003679705.2).